The following is an entry in ClinVar:

NM_001394372.1(BICRA):c.1639A>T (p.Ile547Phe)

Gene: BICRA (BRD4 interacting chromatin remodeling complex associated protein; plus strand). Cytogenetic location: 19q13.33.
Variant type: single nucleotide variant.
Coding change: c.1639A>T on transcript NM_001394372.1 (MANE Select); coding-DNA position 1639, A replaced by T.
Protein change: p.Ile547Phe; replaces isoleucine 547 with phenylalanine.
Molecular consequence: missense variant.
Genome position (GRCh38, 1-based): chr19:47,680,809, A>T. VCF-style: chr19-47680809-A-T. GRCh37 (hg19) VCF-style: chr19-48184066-A-T.
Other names: c.1639A>T, p.Ile547Phe (NM_015711.3); short protein forms I547F.
Identifiers: ClinVar variation 2504857 (VCV002504857.1), dbSNP rs1973035781, ClinGen allele CA406614205.

ClinVar aggregate classification (germline): Uncertain significance (1 of 4 stars; one submission).

Submission:

GeneDx
Classification: Uncertain significance. Last evaluated: 2022-12-10. Review status: criteria provided, single submitter. Criteria: GeneDx Variant Classification Process June 2021. Collection method: clinical testing. Allele origin: germline. Affected: yes.
Comment: Not observed at significant frequency in large population cohorts (gnomAD); In silico analysis supports that this missense variant does not alter protein structure/function; Has not been previously published as pathogenic or benign to our knowledge